The following is an entry in ClinVar:

NM_152703.5(SAMD9L):c.1219G>A (p.Asp407Asn)

Gene: SAMD9L (sterile alpha motif domain containing 9 like; minus strand). Cytogenetic location: 7q21.2.
Variant type: single nucleotide variant.
Coding change: c.1219G>A on transcript NM_152703.5 (MANE Select); coding-DNA position 1219, G replaced by A.
Protein change: p.Asp407Asn; replaces aspartic acid 407 with asparagine.
Molecular consequence: missense variant.
Genome position (GRCh38, 1-based): chr7:93,134,753, C>T on the plus strand (G>A on the coding strand, the complement: SAMD9L is on the minus strand). VCF-style: chr7-93134753-C-T. GRCh37 (hg19) VCF-style: chr7-92764066-C-T.
Other names: c.1219G>A, p.Asp407Asn (NM_001303496.3, NM_001303497.3, NM_001303498.3 and 5 more transcripts); short protein forms D407N.
Identifiers: ClinVar variation 4630165 (VCV004630165.1).

ClinVar aggregate classification (germline): Uncertain significance (1 of 4 stars; one submission).

Conditions:
Inborn genetic diseases. Identifiers: MedGen C0950123, MeSH D030342.

gnomAD v4.1: 1 of 1,613,334 alleles (0.000062%); highest among the groups gnomAD compares: Non-Finnish European, 0.000085%; no homozygotes.

Submission:

Ambry Genetics
Classification: Uncertain significance for Inborn genetic diseases. Last evaluated: 2025-12-09. Review status: criteria provided, single submitter. Criteria: Ambry Variant Classification Scheme 2023. Collection method: clinical testing. Allele origin: germline.
Comment: The p.D407N variant (also known as c.1219G>A), located in coding exon 1 of the SAMD9L gene, results from a G to A substitution at nucleotide position 1219. The aspartic acid at codon 407 is replaced by asparagine, an amino acid with highly similar properties. This amino acid position is conserved. In addition, this alteration is predicted to be tolerated by in silico analysis. Based on the available evidence, the clinical significance of this variant remains unclear.